The following is an entry in ClinVar:

ClinVar aggregate classification (germline): Uncertain significance (1 of 4 stars; one submission).

Allele frequency attached by ClinVar (database versions not stated): gnomAD exomes below 0.00001 and 0.00001; TOPMed 0.00002.
gnomAD v4.1: 8 of 1,612,368 alleles (0.0005%); highest among the groups gnomAD compares: Non-Finnish European, 0.00059%; no homozygotes.

Submission:

Labcorp Genetics (formerly Invitae), Labcorp
Classification: Uncertain significance. Last evaluated: 2025-07-02. Review status: criteria provided, single submitter. Criteria: Invitae Variant Classification Sherloc (09022015). Collection method: clinical testing. Allele origin: germline.
Comment: This sequence change replaces valine, which is neutral and non-polar, with isoleucine, which is neutral and non-polar, at codon 239 of the GRIN2D protein (p.Val239Ile). This variant is not present in population databases (gnomAD no frequency). This variant has not been reported in the literature in individuals affected with GRIN2D-related conditions. ClinVar contains an entry for this variant (Variation ID: 1449440). Invitae Evidence Modeling of protein sequence and biophysical properties (such as structural, functional, and spatial information, amino acid conservation, physicochemical variation, residue mobility, and thermodynamic stability) indicates that this missense variant is not expected to disrupt GRIN2D protein function with a negative predictive value of 95%. In summary, the available evidence is currently insufficient to determine the role of this variant in disease. Therefore, it has been classified as a Variant of Uncertain Significance.

NM_000836.4(GRIN2D):c.715G>A (p.Val239Ile)

Gene: GRIN2D (glutamate ionotropic receptor NMDA type subunit 2D; plus strand). Cytogenetic location: 19q13.33.
Variant type: single nucleotide variant.
Coding change: c.715G>A on transcript NM_000836.4 (MANE Select); coding-DNA position 715, G replaced by A.
Protein change: p.Val239Ile; replaces valine 239 with isoleucine.
Molecular consequence: missense variant.
Genome position (GRCh38, 1-based): chr19:48,404,983, G>A. VCF-style: chr19-48404983-G-A. GRCh37 (hg19) VCF-style: chr19-48908240-G-A.
Other names: short protein forms V239I.
Identifiers: ClinVar variation 1449440 (VCV001449440.8), dbSNP rs201028602, ClinGen allele CA309331267.